The following is an entry in ClinVar:

NM_001379500.1(COL18A1):c.107-11588dup

Gene: COL18A1 (collagen type XVIII alpha 1 chain; plus strand). Cytogenetic location: 21q22.3.
Variant type: Duplication.
Coding change: c.107-11588dup on transcript NM_001379500.1 (MANE Select); 11588 bases into the intron before coding-DNA position 107, one base duplicated (G; older notation c.107-11588dupG).
Molecular consequence: intron variant. On other transcripts: frameshift variant (1).
Genome position (GRCh38, 1-based): chr21:45,456,654, G duplicated; the last of 7 consecutive G bases (chr21:45,456,648-45,456,654); duplicating any one gives the same sequence. VCF-style (leftmost placement, unchanged base first): chr21-45456647-T-TG. GRCh37 (hg19) VCF-style: chr21-46876561-T-TG.
Other names: c.1124dup, p.Leu376fs (NM_130444.3); c.646+478dup (NM_030582.4); c.107-11588dupG (NM_001379500.1); c.1124dupG (NM_130444.2); short protein forms L376fs.
Identifiers: ClinVar variation 3239067 (VCV003239067.23), dbSNP rs528991245.

ClinVar aggregate classification (germline): Conflicting classifications of pathogenicity. Review status: criteria provided, conflicting classifications (1 of 4 stars). 5 submissions from 5 submitters: Uncertain significance (2); Benign (1); Likely benign (2). Last evaluated 2026-01-26.

Conditions:
Hereditary glaucoma, primary closed-angle. Also called: Glaucoma, primary closed-angle. Identifiers: MedGen C5394374, MONDO:0030038, OMIM 618880.
Knobloch syndrome 1 (KNO1). Identifiers: MedGen C4551775, MONDO:0800167, OMIM 267750.
COL18A1-related disorder. Also called: COL18A1-related disorders; COL18A1-related condition.

Submissions (5):

Women's Health and Genetics/Laboratory Corporation of America, LabCorp
Classification: Benign. Last evaluated: 2026-01-26. Review status: criteria provided, single submitter. Criteria: LabCorp Variant Classification Summary - May 2015. Collection method: clinical testing. Allele origin: germline.
Comment: Variant summary: COL18A1 c.107-11588dupG (also known as NM_130444:c.1124dupG p.Leu376ProfsX101 and NM_030582:c.646+478dupG) is located at a position not widely known to affect splicing. To date, alternative transcripts in this gene have not been reported with convincing evidence of association with Knobloch syndrome. Consensus agreement among computation tools predict no significant impact on normal splicing. However, these predictions have yet to be confirmed by functional studies. The variant allele was found at a frequency of 0.0014 in 1535528 control chromosomes, predominantly at a frequency of 0.0041 within the Non-Finnish European subpopulation in the gnomAD database. The observed variant frequency within Non-Finnish European control individuals in the gnomAD database exceeds the estimated maximal expected allele frequency for disease-causing variants in COL18A1. To our knowledge, no occurrence of c.107-11588dupG in individuals affected with COL18A1-related conditions and no experimental evidence demonstrating its impact on protein function have been reported. ClinVar contains an entry for this variant (Variation ID: 3239067). Based on the evidence outlined above, the variant was classified as benign.

Blueprint Genetics
Classification: Likely benign. Last evaluated: 2024-11-15. Review status: criteria provided, single submitter. Criteria: ACMG Guidelines, 2015. Collection method: clinical testing. Allele origin: germline.

CeGaT Center for Human Genetics Tuebingen
Classification: Uncertain significance. Last evaluated: 2024-11-01. Review status: criteria provided, single submitter. Criteria: CeGaT Center For Human Genetics Tuebingen Variant Classification Criteria Version 2. Collection method: clinical testing. Allele origin: germline. Affected: yes. Observed: 2 variant alleles.

PreventionGenetics, part of Exact Sciences
Classification: Likely benign for COL18A1-related condition. Last evaluated: 2024-10-15. Review status: criteria provided, single submitter. Criteria: ACMG Guidelines, 2015. Collection method: clinical testing. Allele origin: germline.
Comment: This variant is classified as likely benign based on ACMG/AMP sequence variant interpretation guidelines (Richards et al. 2015 PMID: 25741868, with internal and published modifications).

Department of Pathology and Laboratory Medicine, Sinai Health System
Classification: Uncertain significance for Knobloch syndrome 1; Hereditary glaucoma, primary closed-angle. Last evaluated: 2023-02-07. Review status: criteria provided, single submitter. Criteria: ACMG Guidelines, 2015. Collection method: research. Allele origin: germline.